The following is an entry in ClinVar:

ClinVar aggregate classification (germline): Uncertain significance. Review status: criteria provided, multiple submitters, no conflicts (2 of 4 stars). 2 submissions from 2 submitters: Uncertain significance (2). Last evaluated 2023-03-13.

Conditions:
Parkinsonism-dystonia, infantile. Identifiers: Orphanet 238455, MedGen C2751067, MONDO:0013150.

Allele frequency attached by ClinVar (database versions not stated): gnomAD 0.00004 and 0.00005; TOPMed 0.00007; gnomAD exomes 0.00009; ExAC 0.00014; ESP Exome Variant Server 0.00015; 1000 Genomes Project 30x 0.00016; 1000 Genomes Project 0.00020.
gnomAD v4.1: 122 of 1,612,882 alleles (0.0076%); highest among the groups gnomAD compares: Middle Eastern, 0.033%; no homozygotes.

Submissions (2):

Blueprint Genetics
Classification: Uncertain significance. Last evaluated: 2023-03-13. Review status: criteria provided, single submitter. Criteria: ACMG Guidelines, 2015. Collection method: clinical testing. Allele origin: germline.

Labcorp Genetics (formerly Invitae), Labcorp
Classification: Uncertain significance for Parkinsonism-dystonia, infantile. Last evaluated: 2022-05-24. Review status: criteria provided, single submitter. Criteria: Invitae Variant Classification Sherloc (09022015). Collection method: clinical testing. Allele origin: germline.
Comment: This sequence change replaces alanine, which is neutral and non-polar, with valine, which is neutral and non-polar, at codon 346 of the SLC6A3 protein (p.Ala346Val). This variant is present in population databases (rs202173303, gnomAD 0.01%). This variant has not been reported in the literature in individuals affected with SLC6A3-related conditions. Algorithms developed to predict the effect of missense changes on protein structure and function (SIFT, PolyPhen-2, Align-GVGD) all suggest that this variant is likely to be disruptive. Algorithms developed to predict the effect of sequence changes on RNA splicing suggest that this variant may create or strengthen a splice site. In summary, the available evidence is currently insufficient to determine the role of this variant in disease. Therefore, it has been classified as a Variant of Uncertain Significance.

NM_001044.5(SLC6A3):c.1037C>T (p.Ala346Val)

Gene: SLC6A3 (solute carrier family 6 member 3). Cytogenetic location: 5p15.33.
Variant type: single nucleotide variant.
Coding change: c.1037C>T on transcript NM_001044.5 (MANE Select); coding-DNA position 1037, C replaced by T.
Protein change: p.Ala346Val; replaces alanine 346 with valine.
Molecular consequence: missense variant.
Genome position (GRCh38, 1-based): chr5:1,414,810, G>A on the plus strand (C>T on the coding strand, the complement: SLC6A3 is on the minus strand). VCF-style: chr5-1414810-G-A. GRCh37 (hg19) VCF-style: chr5-1414925-G-A.
Other names: short protein forms A346V.
Identifiers: ClinVar variation 1405536 (VCV001405536.9), dbSNP rs202173303, ClinGen allele CA3186173.
Genomic context (GRCh38, chr5:1,414,810, plus strand): 5'-GAGAAGACGACGAAGCCGGAGGAGAAGCTCGTCAGGGAGTTGATGGAGGTGGTGACAATC[G>A]CGTCCCTGTAAGAACAAGACACGCCGTCTCAGGAACCAGCTGAGCTGCAGCAGCTGCAAT-3'
Protein context (NP_001035.1, residues 336-356): NKFTNNCYRD[Ala346Val]IVTTSINSLT